The following is an entry in ClinVar:

ClinVar aggregate classification (germline): Uncertain significance. Review status: criteria provided, multiple submitters, no conflicts (2 of 4 stars). 3 submissions from 3 submitters: Uncertain significance (3). Last evaluated 2023-12-05.

Conditions:
Hereditary cancer-predisposing syndrome. Also called: Tumor predisposition; Hereditary neoplastic syndrome; Neoplastic Syndromes, Hereditary; Hereditary Cancer Syndrome. Identifiers: Orphanet 140162, MedGen C0027672, MeSH D009386, MONDO:0015356.
Familial cancer of breast. Also called: BREAST CANCER, FAMILIAL; Hereditary breast cancer; hereditary breast carcinoma. Identifiers: Orphanet 227535, MedGen C0346153, MONDO:0016419, OMIM 114480. Disease mechanism: loss of function.

Submissions (3):

Color Diagnostics, LLC DBA Color Health
Classification: Uncertain significance for Hereditary cancer-predisposing syndrome. Last evaluated: 2023-12-05. Review status: criteria provided, single submitter. Criteria: ACMG Guidelines, 2015. Collection method: clinical testing. Allele origin: germline.
Comment: This missense variant replaces glycine with aspartic acid at codon 114 of the PALB2 protein. To our knowledge, functional studies have not been reported for this variant. This variant has not been reported in individuals affected with PALB2-related disorders in the literature. This variant has not been identified in the general population by the Genome Aggregation Database (gnomAD). The available evidence is insufficient to determine the role of this variant in disease conclusively. Therefore, this variant is classified as a Variant of Uncertain Significance.

Labcorp Genetics (formerly Invitae), Labcorp
Classification: Uncertain significance for Familial cancer of breast. Last evaluated: 2023-07-07. Review status: criteria provided, single submitter. Criteria: Invitae Variant Classification Sherloc (09022015). Collection method: clinical testing. Allele origin: germline.
Comment: In summary, the available evidence is currently insufficient to determine the role of this variant in disease. Therefore, it has been classified as a Variant of Uncertain Significance. An algorithm developed to predict the effect of missense changes on protein structure and function (PolyPhen-2) suggests that this variant is likely to be tolerated. ClinVar contains an entry for this variant (Variation ID: 1007493). This variant has not been reported in the literature in individuals affected with PALB2-related conditions. Information on the frequency of this variant in the gnomAD database is not available, as this variant may be reported differently in the database. This sequence change replaces glycine, which is neutral and non-polar, with aspartic acid, which is acidic and polar, at codon 114 of the PALB2 protein (p.Gly114Asp).

Ambry Genetics
Classification: Uncertain significance for Hereditary cancer-predisposing syndrome. Last evaluated: 2022-12-27. Review status: criteria provided, single submitter. Criteria: Ambry Variant Classification Scheme 2023. Collection method: clinical testing. Allele origin: germline.
Comment: The c.341_342delGAinsAT variant (also known as p.G114D), located in coding exon 4 of the PALB2 gene, results from an in-frame deletion of GA and insertion of AT at nucleotide positions 341 to 342. This results in the substitution of the glycine residue for an aspartic acid residue at codon 114, an amino acid with similar properties. This amino acid position is poorly conserved in available vertebrate species. In addition, this alteration is predicted to be neutral by in silico analysis (Choi Y et al. PLoS ONE. 2012; 7(10):e46688). Since supporting evidence is limited at this time, the clinical significance of this alteration remains unclear.

NM_024675.4(PALB2):c.341_342delinsAT (p.Gly114Asp)

Gene: PALB2 (partner and localizer of BRCA2; minus strand). Cytogenetic location: 16p12.2.
Variant type: Indel.
Coding change: c.341_342delinsAT on transcript NM_024675.4 (MANE Select); coding-DNA positions 341 to 342, GA replaced by AT.
Protein change: p.Gly114Asp; replaces glycine 114 with aspartic acid.
Molecular consequence: missense variant.
Genome position (GRCh38, 1-based): chr16:23,636,204-23,636,205, TC replaced by AT on the plus strand (GA replaced by AT on the coding strand, the reverse complement: PALB2 is on the minus strand). VCF-style: chr16-23636204-TC-AT. GRCh37 (hg19) VCF-style: chr16-23647525-TC-AT.
Other names: c.341_342delGAinsAT (NM_024675.3); short protein forms G114D.
Identifiers: ClinVar variation 1007493 (VCV001007493.11), dbSNP rs1967053362, ClinGen allele CA913188735.